The following is an entry in ClinVar:

NM_001852.4(COL9A2):c.2001C>T (p.Ala667=)

Gene: COL9A2 (collagen type IX alpha 2 chain; minus strand). Cytogenetic location: 1p34.2.
Variant type: single nucleotide variant.
Coding change: c.2001C>T on transcript NM_001852.4 (MANE Select); coding-DNA position 2001, C replaced by T.
Protein change: p.Ala667=; no amino-acid change (alanine 667 retained).
Molecular consequence: synonymous variant.
Genome position (GRCh38, 1-based): chr1:40,301,251, G>A on the plus strand (C>T on the coding strand, the complement: COL9A2 is on the minus strand). VCF-style: chr1-40301251-G-A. GRCh37 (hg19) VCF-style: chr1-40766923-G-A.
Other names: p.Ala667=.
Identifiers: ClinVar variation 258383 (VCV000258383.23), dbSNP rs2229826, ClinGen allele CA791259.
Genomic context (GRCh38, chr1:40,301,251, plus strand): 5'-CTTGATGGATCCAGGCTCTGTAAGGCGGGCAGAGGCATAGGCCGAAGCTCCAAGGCAGGC[G>A]GCAGGTTCACAGAAGCCCGGCAGCCCCACGGGGCCTGGCAGGCCAGGTCGACCTGCCTCT-3'
Protein context (NP_001843.1, residues 657-677): PVGLPGFCEP[Ala667=]ACLGASAYAS

ClinVar aggregate classification (germline): Benign/Likely benign. Review status: criteria provided, multiple submitters, no conflicts (2 of 4 stars). 11 submissions from 11 submitters: Benign (10); Likely benign (1). Last evaluated 2026-05-11.

Conditions:
Connective tissue disorder. Also called: Connective tissue disease. Identifiers: MedGen C0009782, MONDO:0003900.
Epiphyseal dysplasia, multiple, 2 (EDM2). Also called: COL9A2-Related Multiple Epiphyseal Dysplasia. Identifiers: MedGen C1838429, MONDO:0010844, OMIM 600204.

Allele frequency attached by ClinVar (database versions not stated): 1000 Genomes Project 30x 0.00843; 1000 Genomes Project 0.00978; TOPMed 0.01354; gnomAD 0.01729 and 0.01771; ExAC 0.01762; gnomAD exomes 0.01768 and 0.02414; ESP Exome Variant Server 0.01853.
gnomAD v4.1: 37,680 of 1,614,132 alleles (2.3%); highest among the groups gnomAD compares: Non-Finnish European, 2.7%; 545 homozygotes.

Submissions (11):

Women's Health and Genetics/Laboratory Corporation of America, LabCorp
Classification: Benign. Last evaluated: 2026-05-11. Review status: criteria provided, single submitter. Criteria: LabCorp Variant Classification Summary - May 2015. Collection method: clinical testing. Allele origin: germline.

Labcorp Genetics (formerly Invitae), Labcorp
Classification: Benign. Last evaluated: 2026-02-04. Review status: criteria provided, single submitter. Criteria: Invitae Variant Classification Sherloc (09022015). Collection method: clinical testing. Allele origin: germline.

ARUP Laboratories, Molecular Genetics and Genomics, ARUP Laboratories
Classification: Benign. Last evaluated: 2025-05-20. Review status: criteria provided, single submitter. Criteria: ARUP Molecular Germline Variant Investigation Process 2024. Collection method: clinical testing. Allele origin: germline.

Blueprint Genetics
Classification: Likely benign. Last evaluated: 2024-11-26. Review status: criteria provided, single submitter. Criteria: ACMG Guidelines, 2015. Collection method: clinical testing. Allele origin: germline.

Genome Diagnostics Laboratory, The Hospital for Sick Children
Classification: Benign for Connective tissue disorder. Last evaluated: 2022-05-12. Review status: criteria provided, single submitter. Criteria: ACMG Guidelines, 2015. Collection method: clinical testing. Allele origin: germline.

Mayo Clinic Laboratories, Mayo Clinic
Classification: Benign. Last evaluated: 2021-09-03. Review status: criteria provided, single submitter. Criteria: ACMG Guidelines, 2015. Collection method: clinical testing. Allele origin: germline. Observed: 7 variant alleles.
Comment: BA1, BS1, BS2

Athena Diagnostics
Classification: Benign. Last evaluated: 2019-02-13. Review status: criteria provided, single submitter. Criteria: Athena Diagnostics Criteria. Collection method: clinical testing. Allele origin: germline.

Illumina Laboratory Services, Illumina
Classification: Benign for Epiphyseal dysplasia, multiple, 2. Last evaluated: 2018-01-13. Review status: criteria provided, single submitter. Criteria: ICSL Variant Classification Criteria 13 December 2019. Collection method: clinical testing. Allele origin: germline.
Comment: This variant was observed in the ICSL laboratory as part of a predisposition screen in an ostensibly healthy population. It had not been previously curated by ICSL or reported in the Human Gene Mutation Database (HGMD: prior to June 1st, 2018), and was therefore a candidate for classification through an automated scoring system. Utilizing variant allele frequency, disease prevalence and penetrance estimates, and inheritance mode, an automated score was calculated to assess if this variant is too frequent to cause the disease. Based on the score and internal cut-off values, a variant classified as benign is not then subjected to further curation. The score for this variant resulted in a classification of benign for this disease.

GeneDx
Classification: Benign. Last evaluated: 2016-10-24. Review status: criteria provided, single submitter. Criteria: GeneDx Variant Classification (06012015). Collection method: clinical testing. Allele origin: germline. Affected: yes.
Comment: This variant is considered likely benign or benign based on one or more of the following criteria: it is a conservative change, it occurs at a poorly conserved position in the protein, it is predicted to be benign by multiple in silico algorithms, and/or has population frequency not consistent with disease.

Breakthrough Genomics
Classification: Benign. Review status: criteria provided, single submitter. Criteria: ACMG Guidelines, 2015. Collection method: not provided. Allele origin: germline. Inheritance: Autosomal recessive inheritance. Affected: yes.

PreventionGenetics, part of Exact Sciences
Classification: Benign. Review status: criteria provided, single submitter. Criteria: ACMG Guidelines, 2015. Collection method: clinical testing. Allele origin: germline.